The following is an entry in ClinVar:

ClinVar aggregate classification (germline): Uncertain significance. Review status: criteria provided, multiple submitters, no conflicts (2 of 4 stars). 4 submissions from 4 submitters: Uncertain significance (4). Last evaluated 2025-10-15.

Conditions:
Inborn genetic diseases. Identifiers: MedGen C0950123, MeSH D030342.
Febrile seizures, familial, 4 (FEB4). Also called: CONVULSIONS, FAMILIAL FEBRILE, 4. Identifiers: MedGen C1858493, MONDO:0011443, OMIM 604352.

Allele frequency attached by ClinVar (database versions not stated): TOPMed 0.00001; gnomAD exomes 0.00002 and 0.00001; ESP Exome Variant Server 0.00008; ExAC 0.00001; gnomAD 0.00001.
gnomAD v4.1: 37 of 1,612,324 alleles (0.0023%); highest among the groups gnomAD compares: Non-Finnish European, 0.003%; no homozygotes.

Submissions (4):

Ambry Genetics
Classification: Uncertain significance for Inborn genetic diseases. Last evaluated: 2025-10-15. Review status: criteria provided, single submitter. Criteria: Ambry Variant Classification Scheme 2023. Collection method: clinical testing. Allele origin: germline.

Women's Health and Genetics/Laboratory Corporation of America, LabCorp
Classification: Uncertain significance. Last evaluated: 2022-03-22. Review status: criteria provided, single submitter. Criteria: LabCorp Variant Classification Summary - May 2015. Collection method: clinical testing. Allele origin: germline.

Labcorp Genetics (formerly Invitae), Labcorp
Classification: Uncertain significance. Last evaluated: 2021-11-19. Review status: criteria provided, single submitter. Criteria: Invitae Variant Classification Sherloc (09022015). Collection method: clinical testing. Allele origin: germline.
Comment: In summary, the available evidence is currently insufficient to determine the role of this variant in disease. Therefore, it has been classified as a Variant of Uncertain Significance. Algorithms developed to predict the effect of missense changes on protein structure and function are either unavailable or do not agree on the potential impact of this missense change (SIFT: "Deleterious"; PolyPhen-2: "Probably Damaging"; Align-GVGD: "Class C0"). ClinVar contains an entry for this variant (Variation ID: 158646). This variant has not been reported in the literature in individuals affected with ADGRV1-related conditions. This variant is present in population databases (rs369044000, gnomAD 0.003%). This sequence change replaces glycine, which is neutral and non-polar, with valine, which is neutral and non-polar, at codon 4011 of the ADGRV1 protein (p.Gly4011Val).

Genetic Services Laboratory, University of Chicago
Classification: Uncertain significance for Febrile seizures, familial, 4. Last evaluated: 2013-10-30. Review status: criteria provided, single submitter. Criteria: ACMG Guidelines, 2007. Collection method: clinical testing. Allele origin: germline. Inheritance: Autosomal dominant inheritance.

NM_032119.4(ADGRV1):c.12032G>T (p.Gly4011Val)

Gene: ADGRV1 (adhesion G protein-coupled receptor V1; plus strand). Cytogenetic location: 5q14.3.
Variant type: single nucleotide variant.
Coding change: c.12032G>T on transcript NM_032119.4 (MANE Select); coding-DNA position 12032, G replaced by T.
Protein change: p.Gly4011Val; replaces glycine 4011 with valine.
Molecular consequence: missense variant. On other transcripts: non-coding transcript variant (1).
Genome position (GRCh38, 1-based): chr5:90,759,500, G>T. VCF-style: chr5-90759500-G-T. GRCh37 (hg19) VCF-style: chr5-90055317-G-T.
Other names: short protein forms G4011V.
Identifiers: ClinVar variation 158646 (VCV000158646.12), dbSNP rs369044000, ClinGen allele CA233298.
Genomic context (GRCh38, chr5:90,759,500, plus strand): 5'-ATGATGCTGAATTTGAATTGACAGAGACGTTCAATATTTCCTTGATCAGTGTTGCTGGAG[G>T]TGGCAGACTTGGTGATGATGTTGTGGTAACTGTTGTTATTCCACAAAATGATTCTCCATT-3'
Protein context (NP_115495.3, residues 4001-4021): FNISLISVAG[Gly4011Val]GRLGDDVVVT